The following is an entry in ClinVar:

ClinVar aggregate classification (germline): Uncertain significance (1 of 4 stars; one submission).

Conditions:
RASopathy. Also called: Noonan spectrum disorder; rasopathies. Identifiers: Orphanet 536391, MedGen C5555857, MONDO:0021060.

Submission:

Labcorp Genetics (formerly Invitae), Labcorp
Classification: Uncertain significance for RASopathy. Last evaluated: 2016-01-01. Review status: criteria provided, single submitter. Criteria: Invitae Variant Classification Sherloc (09022015). Collection method: clinical testing. Allele origin: germline.
Comment: This variant is a gross duplication of the genomic region encompassing exon 2 (the first coding exon) and exon 12 of the RAF1 gene. This duplication extends beyond the edge of the assayed region, and the 5' boundary of this event is not known. Furthermore, the exact position of the duplicated exons cannot be determined from this data, and may or may not be in tandem. This gross duplication is not present in population databases and it has not been reported in the literature in patients with a RAF1-related disease. In summary, this is a novel duplication involving the first coding exon of the RAF1. However the genomic location and orientation of the duplicated sequence is unknown. For these reasons, this change has been classified as a Variant of Uncertain Significance

NM_002880.3(RAF1):c.-26-?_1370+?dup

Gene: RAF1 (Raf-1 proto-oncogene, serine/threonine kinase; minus strand).
Variant type: Duplication.
Coding change: c.-26-?_1370+?dup on transcript NM_002880.3.
Other names: c.-26-?_1370+?dup (LRG_413t1).
Identifiers: ClinVar variation 254046 (VCV000254046.1).